The following is an entry in ClinVar:

NM_177438.3(DICER1):c.2337A>G (p.Thr779=)

Gene: DICER1 (dicer 1, ribonuclease III; minus strand). Cytogenetic location: 14q32.13.
Variant type: single nucleotide variant.
Coding change: c.2337A>G on transcript NM_177438.3 (MANE Select); coding-DNA position 2337, A replaced by G.
Protein change: p.Thr779=; no amino-acid change (threonine 779 retained).
Molecular consequence: synonymous variant.
Genome position (GRCh38, 1-based): chr14:95,108,423, T>C on the plus strand (A>G on the coding strand, the complement: DICER1 is on the minus strand). VCF-style: chr14-95108423-T-C. GRCh37 (hg19) VCF-style: chr14-95574760-T-C.
Other names: c.2337A>G, p.Thr779= (NM_001195573.1, NM_001271282.3, NM_001291628.2 and 1 more transcripts).
Identifiers: ClinVar variation 417048 (VCV000417048.57), dbSNP rs747210633, ClinGen allele CA7331254.

ClinVar aggregate classification (germline): Benign/Likely benign. Review status: criteria provided, multiple submitters, no conflicts (2 of 4 stars). 7 submissions from 7 submitters: Benign (1); Likely benign (5). 1 of the submissions does not count toward it. Last evaluated 2026-04-16.

Conditions:
DICER1-related disorder. Also called: DICER1-related condition.
Hereditary cancer-predisposing syndrome. Also called: Tumor predisposition; Hereditary neoplastic syndrome; Hereditary Cancer Syndrome; Neoplastic Syndromes, Hereditary. Identifiers: Orphanet 140162, MedGen C0027672, MeSH D009386, MONDO:0015356.
DICER1-related tumor predisposition. Also called: DICER1 syndrome; DICER1-related pleuropulmonary blastoma cancer predisposition syndrome. Identifiers: Orphanet 284343, MedGen C3839822, MONDO:0100216.

Allele frequency attached by ClinVar (database versions not stated): ExAC 0.00003; gnomAD exomes 0.00004 and 0.00014; gnomAD 0.00008; TOPMed 0.00009.
gnomAD v4.1: 213 of 1,613,946 alleles (0.013%); highest among the groups gnomAD compares: Non-Finnish European, 0.017%; no homozygotes.

Submissions (7):

Myriad Genetics, Inc.
Classification: Benign for DICER1-related tumor predisposition. Last evaluated: 2026-04-16. Review status: criteria provided, single submitter. Criteria: Myriad Autosomal Dominant, Autosomal Recessive and X-Linked Classification Criteria (2023). Collection method: clinical testing. Allele origin: unknown.
Comment: This variant is considered benign. This variant is a silent/synonymous amino acid change and it is not expected to impact splicing.

Labcorp Genetics (formerly Invitae), Labcorp
Classification: Likely benign for DICER1-related tumor predisposition. Last evaluated: 2026-02-01. Review status: criteria provided, single submitter. Criteria: Invitae Variant Classification Sherloc (09022015). Collection method: clinical testing. Allele origin: germline.

CeGaT Center for Human Genetics Tuebingen
Classification: Likely benign. Last evaluated: 2023-07-01. Review status: criteria provided, single submitter. Criteria: CeGaT Center For Human Genetics Tuebingen Variant Classification Criteria Version 2. Collection method: clinical testing. Allele origin: germline. Affected: yes. Observed: 2 variant alleles.
Comment: DICER1: BP4, BP7

Sema4
Classification: Likely benign for Hereditary cancer-predisposing syndrome. Last evaluated: 2021-10-11. Review status: criteria provided, single submitter. Criteria: Sema4 Curation Guidelines. Collection method: curation. Allele origin: germline.

GeneDx
Classification: Likely benign. Last evaluated: 2021-01-25. Review status: criteria provided, single submitter. Criteria: GeneDx Variant Classification Process June 2021. Collection method: clinical testing. Allele origin: germline. Affected: yes.
Comment: This variant is associated with the following publications: (PMID: no PMID)

Ambry Genetics
Classification: Likely benign for Hereditary cancer-predisposing syndrome. Last evaluated: 2017-03-29. Review status: criteria provided, single submitter. Criteria: Ambry Variant Classification Scheme 2023. Collection method: clinical testing. Allele origin: germline.

PreventionGenetics, part of Exact Sciences
Classification: Likely benign for DICER1-related condition. Last evaluated: 2020-07-28. Review status: no assertion criteria provided. Collection method: clinical testing. Allele origin: germline. Not counted in ClinVar's aggregate classification.
Comment: This variant is classified as likely benign based on ACMG/AMP sequence variant interpretation guidelines (Richards et al. 2015 PMID: 25741868, with internal and published modifications).